The following is an entry in ClinVar:

NM_144666.3(DNHD1):c.6352C>T (p.Arg2118Ter)

Gene: DNHD1 (dynein heavy chain domain 1; plus strand). Cytogenetic location: 11p15.4.
Variant type: single nucleotide variant.
Coding change: c.6352C>T on transcript NM_144666.3 (MANE Select); coding-DNA position 6352, C replaced by T.
Protein change: p.Arg2118Ter; replaces arginine 2118 with a stop codon.
Molecular consequence: nonsense.
Genome position (GRCh38, 1-based): chr11:6,547,291, C>T. VCF-style: chr11-6547291-C-T. GRCh37 (hg19) VCF-style: chr11-6568521-C-T.
Other names: short protein forms R2118*.
Identifiers: ClinVar variation 5007899 (VCV005007899.2).

ClinVar aggregate classification (germline): Likely pathogenic (1 of 4 stars; one submission).

Conditions:
Spermatogenic failure 65 (SPGF65). Identifiers: MedGen C5562067, MONDO:0030531, OMIM 619712.

gnomAD v4.1: 42 of 1,551,672 alleles (0.0027%); highest among the groups gnomAD compares: East Asian, 0.0073%; no homozygotes.

Submission:

Juno Genomics, Hangzhou Juno Genomics, Inc
Classification: Likely pathogenic for Spermatogenic failure 65. Review status: criteria provided, single submitter. Criteria: ACMG Guidelines, 2015. Collection method: clinical testing. Allele origin: germline.
Comment: Null variant in a gene where loss of function (LOF) is a known mechanism of disease.;Absent from controls (or at extremely low frequency if recessive) in Genome Aggregation Database.